The following is an entry in ClinVar:

ClinVar aggregate classification (germline): Uncertain significance (1 of 4 stars; one submission).

Conditions:
Hereditary cancer-predisposing syndrome. Also called: Neoplastic Syndromes, Hereditary; Tumor predisposition; Hereditary Cancer Syndrome; Hereditary neoplastic syndrome. Identifiers: Orphanet 140162, MedGen C0027672, MeSH D009386, MONDO:0015356.

Submission:

Ambry Genetics
Classification: Uncertain significance for Hereditary cancer-predisposing syndrome. Last evaluated: 2024-11-27. Review status: criteria provided, single submitter. Criteria: Ambry Variant Classification Scheme 2023. Collection method: clinical testing. Allele origin: germline.
Comment: The p.P2065L variant (also known as c.6194C>T), located in coding exon 15 of the APC gene, results from a C to T substitution at nucleotide position 6194. The proline at codon 2065 is replaced by leucine, an amino acid with similar properties. This amino acid position is not well conserved in available vertebrate species. In addition, in silico predictors for this gene do not accurately predict pathogenicity. Missense alterations in APC are not a common cause of disease (Spier I et al. Genet Med. 2024 Feb;26(2):100992). Based on the available evidence, the clinical significance of this variant remains unclear.

NM_000038.6(APC):c.6194C>T (p.Pro2065Leu)

Gene: APC (APC regulator of Wnt signaling pathway; plus strand). Cytogenetic location: 5q22.2.
Variant type: single nucleotide variant.
Coding change: c.6194C>T on transcript NM_000038.6 (MANE Select); coding-DNA position 6194, C replaced by T.
Protein change: p.Pro2065Leu; replaces proline 2065 with leucine.
Molecular consequence: missense variant. On other transcripts: non-coding transcript variant (2).
Genome position (GRCh38, 1-based): chr5:112,841,788, C>T. VCF-style: chr5-112841788-C-T. GRCh37 (hg19) VCF-style: chr5-112177485-C-T.
Other names: c.6194C>T, p.Pro2065Leu (NM_001127510.3, NM_001354895.2, NM_001407450.1); c.6140C>T, p.Pro2047Leu (NM_001127511.3); c.6248C>T, p.Pro2083Leu (NM_001354896.2, NM_001407447.1, NM_001407448.1 and 1 more transcripts); c.6224C>T, p.Pro2075Leu (NM_001354897.2); c.6119C>T, p.Pro2040Leu (NM_001354898.2); c.6110C>T, p.Pro2037Leu (NM_001354899.2); c.6071C>T, p.Pro2024Leu (NM_001354900.2); c.6017C>T, p.Pro2006Leu (NM_001354901.2, NM_001407453.1); and 11 more; short protein forms P1936L, P1964L, P1982L, P2024L, P2037L, P2065L, P2075L, P1939L.
Identifiers: ClinVar variation 3412315 (VCV003412315.1).
Genomic context (GRCh38, chr5:112,841,788, plus strand): 5'-CCGCAATGCCAAAAAAGAAAAAGCCTTCAAGACTCAAGGGTGATAATGAAAAACATAGTC[C>T]CAGAAATATGGGTGGCATATTAGGTGAAGATCTGACACTTGATTTGAAAGATATACAGAG-3'
Protein context (NP_000029.2, residues 2055-2075): RLKGDNEKHS[Pro2065Leu]RNMGGILGED